The following is an entry in ClinVar:

ClinVar aggregate classification (germline): Benign/Likely benign. Review status: criteria provided, multiple submitters, no conflicts (2 of 4 stars). 3 submissions from 3 submitters: Benign (1); Likely benign (2). Last evaluated 2025-01-20.

Conditions:
Familial cancer of breast. Also called: Hereditary breast cancer; hereditary breast carcinoma; BREAST CANCER, FAMILIAL. Identifiers: Orphanet 227535, MedGen C0346153, MONDO:0016419, OMIM 114480. Disease mechanism: loss of function.
Ataxia-telangiectasia syndrome (AT). Also called: Cerebello-oculocutaneous telangiectasia; Immunodeficiency with ataxia telangiectasia; Ataxia-telangiectasia, complementation group E; Ataxia-telangiectasia, complementation group D; AT, COMPLEMENTATION GROUP C; ATAXIA-TELANGIECTASIA, COMPLEMENTATION GROUP A. Identifiers: Orphanet 100, MedGen C0004135, MONDO:0008840, OMIM 208900.
Hereditary cancer-predisposing syndrome. Also called: Hereditary Cancer Syndrome; Neoplastic Syndromes, Hereditary; Hereditary neoplastic syndrome; Tumor predisposition. Identifiers: Orphanet 140162, MedGen C0027672, MeSH D009386, MONDO:0015356.

Submissions (3):

Labcorp Genetics (formerly Invitae), Labcorp
Classification: Likely benign for Ataxia-telangiectasia syndrome. Last evaluated: 2025-01-20. Review status: criteria provided, single submitter. Criteria: Invitae Variant Classification Sherloc (09022015). Collection method: clinical testing. Allele origin: germline.

Myriad Genetics, Inc.
Classification: Benign for Familial cancer of breast. Last evaluated: 2024-04-29. Review status: criteria provided, single submitter. Criteria: Myriad Autosomal Dominant, Autosomal Recessive and X-Linked Classification Criteria (2023). Collection method: clinical testing. Allele origin: unknown.
Comment: This variant is considered benign. This variant is a silent/synonymous amino acid change and it is not expected to impact splicing.

Ambry Genetics
Classification: Likely benign for Hereditary cancer-predisposing syndrome. Last evaluated: 2019-05-09. Review status: criteria provided, single submitter. Criteria: Ambry Variant Classification Scheme 2023. Collection method: clinical testing. Allele origin: germline.

NM_000051.4(ATM):c.1473C>T (p.Thr491=)

Gene: ATM (ATM serine/threonine kinase; plus strand). Cytogenetic location: 11q22.3.
Variant type: single nucleotide variant.
Coding change: c.1473C>T on transcript NM_000051.4 (MANE Select); coding-DNA position 1473, C replaced by T.
Protein change: p.Thr491=; no amino-acid change (threonine 491 retained).
Molecular consequence: synonymous variant.
Genome position (GRCh38, 1-based): chr11:108,250,938, C>T. VCF-style: chr11-108250938-C-T. GRCh37 (hg19) VCF-style: chr11-108121665-C-T.
Other names: c.1473C>T, p.Thr491= (NM_001351834.2).
Identifiers: ClinVar variation 819321 (VCV000819321.13), dbSNP rs764937436, ClinGen allele CA476744849.